The following is an entry in ClinVar:

NM_001354712.2(THRB):c.835G>A (p.Ala279Thr)

Gene: THRB (thyroid hormone receptor beta; minus strand). Cytogenetic location: 3p24.2.
Variant type: single nucleotide variant.
Coding change: c.835G>A on transcript NM_001354712.2 (MANE Select); coding-DNA position 835, G replaced by A.
Protein change: p.Ala279Thr; replaces alanine 279 with threonine.
Molecular consequence: missense variant.
Genome position (GRCh38, 1-based): chr3:24,133,366, C>T on the plus strand (G>A on the coding strand, the complement: THRB is on the minus strand). VCF-style: chr3-24133366-C-T. GRCh37 (hg19) VCF-style: chr3-24174857-C-T.
Other names: c.835G>A, p.Ala279Thr (NM_000461.5, NM_001128176.3, NM_001128177.2 and 12 more transcripts); c.742G>A, p.Ala248Thr (NM_001354714.2, NM_001354715.2); short protein forms A248T, A279T.
Identifiers: ClinVar variation 4977784 (VCV004977784.1).

ClinVar aggregate classification (germline): Uncertain significance (1 of 4 stars; one submission).

Conditions:
THRB-related disorder. Also called: THRB-related condition.

Submission:

PreventionGenetics, part of Exact Sciences
Classification: Uncertain significance for THRB-related condition. Last evaluated: 2025-01-27. Review status: criteria provided, single submitter. Criteria: ACMG Guidelines, 2015. Collection method: clinical testing. Allele origin: germline.
Comment: The THRB c.835G>A variant is predicted to result in the amino acid substitution p.Ala279Thr. To our knowledge, this variant has not been reported in the literature or in a large population database (gnomAD), indicating this variant is rare. Alternate nucleotide changes affecting the same amino acid (p.Ala279Glu, p.Ala279Val) have been reported to impact protein function (Asadi et al. 2008. PubMed ID: 19378427; Collingwood et al. 1998. PubMed ID: 9707435). Although we suspect this variant is pathogenic, at this time, the clinical significance of this variant is uncertain due to the absence of conclusive functional and genetic evidence.